The following is an entry in ClinVar:

ClinVar aggregate classification (germline): Uncertain significance (1 of 4 stars; one submission).

Submission:

Labcorp Genetics (formerly Invitae), Labcorp
Classification: Uncertain significance. Last evaluated: 2023-09-07. Review status: criteria provided, single submitter. Criteria: Invitae Variant Classification Sherloc (09022015). Collection method: clinical testing. Allele origin: germline.
Comment: This sequence change affects codon 106 of the FBLN5 mRNA. It is a 'silent' change, meaning that it does not change the encoded amino acid sequence of the FBLN5 protein. This variant is not present in population databases (gnomAD no frequency). This variant has not been reported in the literature in individuals affected with FBLN5-related conditions. Algorithms developed to predict the effect of sequence changes on RNA splicing suggest that this variant may create or strengthen a splice site. In summary, the available evidence is currently insufficient to determine the role of this variant in disease. Therefore, it has been classified as a Variant of Uncertain Significance.

NM_006329.4(FBLN5):c.318G>T (p.Thr106=)

Gene: FBLN5 (fibulin 5; minus strand). Cytogenetic location: 14q32.12.
Variant type: single nucleotide variant.
Coding change: c.318G>T on transcript NM_006329.4 (MANE Select); coding-DNA position 318, G replaced by T.
Protein change: p.Thr106=; no amino-acid change (threonine 106 retained).
Molecular consequence: synonymous variant.
Genome position (GRCh38, 1-based): chr14:91,937,008, C>A on the plus strand (G>T on the coding strand, the complement: FBLN5 is on the minus strand). VCF-style: chr14-91937008-C-A. GRCh37 (hg19) VCF-style: chr14-92403352-C-A.
Other names: c.441G>T, p.Thr147= (NM_001384158.1); c.369G>T, p.Thr123= (NM_001384159.1); c.318G>T, p.Thr106= (NM_001384160.1); c.150G>T, p.Thr50= (NM_001384161.1, NM_001384162.1).
Identifiers: ClinVar variation 2863777 (VCV002863777.3), dbSNP rs1595347121, ClinGen allele CA487830523.